The following is an entry in ClinVar:

NM_001370466.1(NOD2):c.2586A>C (p.Gln862His)

Gene: NOD2 (nucleotide binding oligomerization domain containing 2; plus strand). Cytogenetic location: 16q12.1.
Variant type: single nucleotide variant.
Coding change: c.2586A>C on transcript NM_001370466.1 (MANE Select); coding-DNA position 2586, A replaced by C.
Protein change: p.Gln862His; replaces glutamine 862 with histidine.
Molecular consequence: missense variant. On other transcripts: non-coding transcript variant (1).
Genome position (GRCh38, 1-based): chr16:50,719,961, A>C. VCF-style: chr16-50719961-A-C. GRCh37 (hg19) VCF-style: chr16-50753872-A-C.
Other names: c.2586A>C, p.Gln862His (NM_001293557.2); c.2667A>C, p.Gln889His (NM_022162.3); c.2667A>C (NM_022162.1); short protein forms Q889H, Q862H.
Identifiers: ClinVar variation 765296 (VCV000765296.12), dbSNP rs764244331, ClinGen allele CA8051915.

ClinVar aggregate classification (germline): Conflicting classifications of pathogenicity. Review status: criteria provided, conflicting classifications (1 of 4 stars). 3 submissions from 3 submitters: Uncertain significance (2); Likely benign (1). Last evaluated 2025-11-20.

Conditions:
Inborn genetic diseases. Identifiers: MedGen C0950123, MeSH D030342.
Regional enteritis. Also called: Enteritis, Granulomatous. Identifiers: MedGen C0678202, MeSH D003424.
Blau syndrome (BLAUS). Also called: ARTHROCUTANEOUVEAL GRANULOMATOSIS; GRANULOMATOSIS, FAMILIAL JUVENILE SYSTEMIC; GRANULOMATOSIS, FAMILIAL, BLAU TYPE; GRANULOMATOUS INFLAMMATORY ARTHRITIS, DERMATITIS, AND UVEITIS, FAMILIAL; JABS SYNDROME. Identifiers: Orphanet 90340, MedGen C5201146, MONDO:0008523, OMIM 186580.

Allele frequency attached by ClinVar (database versions not stated): TOPMed 0.00006; ExAC 0.00007.
gnomAD v4.1: 33 of 1,614,194 alleles (0.002%); highest among the groups gnomAD compares: Admixed American, 0.055%; no homozygotes.

Submissions (3):

Labcorp Genetics (formerly Invitae), Labcorp
Classification: Likely benign for Regional enteritis; Blau syndrome. Last evaluated: 2025-11-20. Review status: criteria provided, single submitter. Criteria: Invitae Variant Classification Sherloc (09022015). Collection method: clinical testing. Allele origin: germline.

ARUP Laboratories, Molecular Genetics and Genomics, ARUP Laboratories
Classification: Uncertain significance. Last evaluated: 2025-07-16. Review status: criteria provided, single submitter. Criteria: ARUP Molecular Germline Variant Investigation Process 2024. Collection method: clinical testing. Allele origin: germline.
Comment: The NOD2 c.569A>C; p.Gln190Pro variant (rs764244331), to our knowledge, is not reported in the medical literature but is reported in ClinVar (Variation ID: 765296). This variant is found in the Admixed American population with an allele frequency of 0.084% (29/34588 alleles) in the Genome Aggregation Database (v2.1.1). Computational analyses are uncertain whether this variant is neutral or deleterious (REVEL: 0.172). Due to limited information, the clinical significance of this variant is uncertain at this time.

Ambry Genetics
Classification: Uncertain significance for Inborn genetic diseases. Last evaluated: 2022-01-31. Review status: criteria provided, single submitter. Criteria: Ambry Variant Classification Scheme 2023. Collection method: clinical testing. Allele origin: germline.